The following is an entry in ClinVar:

NM_031885.5(BBS2):c.2060-1G>T

Gene: BBS2 (Bardet-Biedl syndrome 2; minus strand). Cytogenetic location: 16q13.
Variant type: single nucleotide variant.
Coding change: c.2060-1G>T on transcript NM_031885.5 (MANE Select); the canonical splice acceptor site of the intron before coding-DNA position 2060, G replaced by T.
Molecular consequence: splice acceptor variant.
Genome position (GRCh38, 1-based): chr16:56,484,868, C>A on the plus strand (G>T on the coding strand, the complement: BBS2 is on the minus strand). VCF-style: chr16-56484868-C-A. GRCh37 (hg19) VCF-style: chr16-56518780-C-A.
Other names: c.2060-1G>T (NM_001377456.1).
Identifiers: ClinVar variation 555474 (VCV000555474.5), dbSNP rs1555520142, ClinGen allele CA395972710.
Genomic context (GRCh38, chr16:56,484,868, plus strand): 5'-TGTTATTGCTTCGAATTGCATCCCGACAAGCAGTGATCACCTGGTTCTTTGGTTTTCCAA[C>A]TGCATAAGAAGAAACATCAGGAACCAAAAGATTGTTAGACATGAAATTATAAAATTAGAC-3'

ClinVar aggregate classification (germline): Likely pathogenic. Review status: criteria provided, multiple submitters, no conflicts (2 of 4 stars). 3 submissions from 3 submitters: Likely pathogenic (2). 1 of the submissions does not count toward it. Last evaluated 2025-05-15.

Conditions:
BBS2-related ciliopathy. Identifiers: MedGen CN378634, MONDO:1040048.
Bardet-Biedl syndrome 2 (BBS2). Identifiers: Orphanet 110, MedGen C2936863, MONDO:0014432, OMIM 615981.
BBS2-related disorder. Also called: BBS2-related disorders; BBS2-related condition. Identifiers: MedGen CN239228.

gnomAD v4.1: 6 of 1,612,616 alleles (0.00037%); highest among the groups gnomAD compares: Non-Finnish European, 0.00042%; no homozygotes.

Submissions (3):

Myriad Genetics, Inc.
Classification: Likely pathogenic for BBS2-related ciliopathy. Last evaluated: 2025-05-15. Review status: criteria provided, single submitter. Criteria: Myriad Autosomal Dominant, Autosomal Recessive and X-Linked Classification Criteria (2023). Collection method: clinical testing. Allele origin: unknown.
Comment: NM_031885.3(BBS2):c.2060-1G>T is a variant in a canonical splice site classified as likely pathogenic in the context of Bardet-Biedl syndrome, BBS2-related. c.2060-1G>T has been observed in cases with relevant disease (PMID: 27659767). Relevant functional assessments of this variant are not available in the literature. c.2060-1G>T has not been observed in referenced population frequency databases. In summary, NM_031885.3(BBS2):c.2060-1G>T is a variant in a canonical splice site in a gene where loss of function is a known mechanism of disease, is predicted to disrupt protein function, and has been observed more frequently in cases with the relevant disease than in healthy populations. Please note: this variant was assessed in the context of healthy population screening.

Blueprint Genetics
Classification: Likely pathogenic for BBS2-related disorders. Last evaluated: 2019-01-05. Review status: criteria provided, single submitter. Criteria: ACMG Guidelines, 2015. Collection method: clinical testing. Allele origin: germline. Affected: yes. Observed: 1 variant allele.

Counsyl
Classification: Likely pathogenic for Bardet-Biedl syndrome 2. Last evaluated: 2017-12-08. Review status: no assertion criteria provided. Collection method: clinical testing. Allele origin: unknown. Not counted in ClinVar's aggregate classification.

Literature cited by the submitters: PubMed 27659767 (cited by Myriad Genetics, Inc. and Counsyl).